The following is an entry in ClinVar:

ClinVar aggregate classification (germline): Conflicting classifications of pathogenicity. Review status: criteria provided, conflicting classifications (1 of 4 stars). 3 submissions from 3 submitters: Uncertain significance (2); Likely benign (1). Last evaluated 2023-07-10.

Conditions:
Breast-ovarian cancer, familial, susceptibility to, 2 (BROVCA2). Also called: BRCA2 Hereditary Breast and Ovarian Cancer. Identifiers: Orphanet 145, MedGen C2675520, MONDO:0012933, OMIM 612555. Disease mechanism: loss of function.
Hereditary cancer-predisposing syndrome. Also called: Tumor predisposition; Neoplastic Syndromes, Hereditary; Hereditary Cancer Syndrome; Hereditary neoplastic syndrome. Identifiers: Orphanet 140162, MedGen C0027672, MeSH D009386, MONDO:0015356.

Submissions (3):

All of Us Research Program, National Institutes of Health
Classification: Uncertain significance for Breast-ovarian cancer, familial, susceptibility to, 2. Last evaluated: 2023-07-10. Review status: criteria provided, single submitter. Criteria: ACMG Guidelines, 2015. Collection method: clinical testing. Allele origin: germline. Inheritance: Autosomal dominant inheritance. Observed: 1 variant allele, 1 heterozygote.
Comment: This missense variant replaces isoleucine with threonine at codon 508 of the BRCA2 protein. Computational prediction suggests that this variant may not impact protein structure and function (internally defined REVEL score threshold <= 0.5, PMID: 27666373). To our knowledge, functional studies have not been reported for this variant. This variant has not been reported in individuals affected with BRCA2-related disorders in the literature. This variant has not been identified in the general population by the Genome Aggregation Database (gnomAD). The available evidence is insufficient to determine the role of this variant in disease conclusively. Therefore, this variant is classified as a Variant of Uncertain Significance.

This study involves interpretation of variants in research participants for the purpose of population health screening. Participant phenotype was not available at the time of variant classification. Additional details can be found in publication PMID: 35346344, PMCID: PMC8962531

University of Washington Department of Laboratory Medicine, University of Washington
Classification: Likely benign for Hereditary cancer-predisposing syndrome. Last evaluated: 2023-03-23. Review status: criteria provided, single submitter. Criteria: Dines et al. (Genet Med. 2020). Collection method: curation. Allele origin: germline.
Comment: Missense variant in a coldspot region where missense variants are very unlikely to be pathogenic (PMID:31911673).

BRCA2 exon 10 coldspot. Reclassification based on statistical prior probability.

Ambry Genetics
Classification: Uncertain significance for Hereditary cancer-predisposing syndrome. Last evaluated: 2020-01-30. Review status: criteria provided, single submitter. Criteria: Ambry Variant Classification Scheme 2023. Collection method: clinical testing. Allele origin: germline.
Comment: The p.I508T variant (also known as c.1523T>C), located in coding exon 9 of the BRCA2 gene, results from a T to C substitution at nucleotide position 1523. The isoleucine at codon 508 is replaced by threonine, an amino acid with similar properties. This amino acid position is not well conserved in available vertebrate species. In addition, this alteration is predicted to be tolerated by in silico analysis. Since supporting evidence is limited at this time, the clinical significance of this alteration remains unclear.

NM_000059.4(BRCA2):c.1523T>C (p.Ile508Thr)

Gene: BRCA2 (BRCA2 DNA repair associated; plus strand). Cytogenetic location: 13q13.1.
Variant type: single nucleotide variant.
Coding change: c.1523T>C on transcript NM_000059.4 (MANE Select); coding-DNA position 1523, T replaced by C.
Protein change: p.Ile508Thr; replaces isoleucine 508 with threonine.
Molecular consequence: missense variant.
Genome position (GRCh38, 1-based): chr13:32,333,001, T>C. VCF-style: chr13-32333001-T-C. GRCh37 (hg19) VCF-style: chr13-32907138-T-C.
Other names: c.1523T>C, p.Ile508Thr (NM_001406719.1, NM_001406720.1, NM_001406721.1); short protein forms I508T.
Identifiers: ClinVar variation 1774483 (VCV001774483.5), dbSNP rs2548520440, ClinGen allele CA387764566.